The following is an entry in ClinVar:

NM_001994.3(F13B):c.1805_1806delinsTC (p.Asn602Ile)

Gene: F13B (coagulation factor XIII B chain; minus strand). Cytogenetic location: 1q31.3.
Variant type: Indel.
Coding change: c.1805_1806delinsTC on transcript NM_001994.3 (MANE Select); coding-DNA positions 1805 to 1806, AT replaced by TC.
Protein change: p.Asn602Ile; replaces asparagine 602 with isoleucine.
Molecular consequence: missense variant.
Genome position (GRCh38, 1-based): chr1:197,040,668-197,040,669, AT replaced by GA on the plus strand (AT replaced by TC on the coding strand, the reverse complement: F13B is on the minus strand). VCF-style: chr1-197040668-AT-GA. GRCh37 (hg19) VCF-style: chr1-197009798-AT-GA.
Other names: c.1805_1806delATinsTC, p.Asn602Ile (NM_001994.2); short protein forms N602I.
Identifiers: ClinVar variation 3348699 (VCV003348699.1).

ClinVar aggregate classification (germline): Uncertain significance (0 of 4 stars; one submission).

Conditions:
F13B-related disorder. Also called: F13B-related condition.

Submission:

PreventionGenetics, part of Exact Sciences
Classification: Uncertain significance for F13B-related condition. Last evaluated: 2024-06-10. Review status: no assertion criteria provided. Collection method: clinical testing. Allele origin: germline.
Comment: The F13B c.1805_1806delinsTC variant is predicted to result in an in-frame deletion and insertion. To our knowledge, this variant has not been reported in the literature or in a large population database, indicating this variant is rare. At this time, the clinical significance of this variant is uncertain due to the absence of conclusive functional and genetic evidence.